The following is an entry in ClinVar:

ClinVar aggregate classification (germline): Benign. Review status: criteria provided, multiple submitters, no conflicts (2 of 4 stars). 2 submissions from 2 submitters: Benign (2). Last evaluated 2018-01-12.

Conditions:
Abetalipoproteinaemia (ABL). Also called: MTP DEFICIENCY; Abetalipoproteinemia; Abetalipoproteinemia neuropathy; Apolipoprotein B deficiency; Congenital betalipoprotein deficiency syndrome. Identifiers: Orphanet 14, MedGen C0000744, MONDO:0008692, OMIM 200100, HP:0008181.

Allele frequency attached by ClinVar (database versions not stated): 1000 Genomes Project 0.05072; 1000 Genomes Project 30x 0.05075; gnomAD 0.07987 and 0.08274; TOPMed 0.08204.

Submissions (2):

Illumina Laboratory Services, Illumina
Classification: Benign for Abetalipoproteinaemia. Last evaluated: 2018-01-12. Review status: criteria provided, single submitter. Criteria: ICSL Variant Classification Criteria 13 December 2019. Collection method: clinical testing. Allele origin: germline.
Comment: This variant was observed in the ICSL laboratory as part of a predisposition screen in an ostensibly healthy population. It had not been previously curated by ICSL or reported in the Human Gene Mutation Database (HGMD: prior to June 1st, 2018), and was therefore a candidate for classification through an automated scoring system. Utilizing variant allele frequency, disease prevalence and penetrance estimates, and inheritance mode, an automated score was calculated to assess if this variant is too frequent to cause the disease. Based on the score and internal cut-off values, a variant classified as benign is not then subjected to further curation. The score for this variant resulted in a classification of benign for this disease.

Breakthrough Genomics
Classification: Benign. Review status: criteria provided, single submitter. Criteria: ACMG Guidelines, 2015. Collection method: not provided. Allele origin: germline. Inheritance: Autosomal recessive inheritance. Affected: yes.

NM_001386140.1(MTTP):c.*862C>A

Gene: MTTP (microsomal triglyceride transfer protein; plus strand). Cytogenetic location: 4q23.
Variant type: single nucleotide variant.
Coding change: c.*862C>A on transcript NM_001386140.1 (MANE Select); 862 bases downstream of the stop codon, C replaced by A.
Molecular consequence: 3 prime UTR variant.
Genome position (GRCh38, 1-based): chr4:99,623,710, C>A. VCF-style: chr4-99623710-C-A. GRCh37 (hg19) VCF-style: chr4-100544867-C-A.
Other names: c.*862C>A (NM_000253.4, NM_001300785.2).
Identifiers: ClinVar variation 347059 (VCV000347059.6), dbSNP rs6832927, ClinGen allele CA10622131.